The following is an entry in ClinVar:

ClinVar aggregate classification (germline): Pathogenic/Likely pathogenic. Review status: criteria provided, multiple submitters, no conflicts (2 of 4 stars). 3 submissions from 3 submitters: Pathogenic (2); Likely pathogenic (1). Last evaluated 2024-12-13.

Conditions:
Hydrocephalus, nonsyndromic, autosomal recessive 1 (HYC1). Also called: Hydrocephalus, nonsyndromic, autosomal recessive; Congenital hydrocephalus 1. Identifiers: Orphanet 2185, MedGen C3887608, MONDO:0009360, OMIM 236600.

Allele frequency attached by ClinVar (database versions not stated): gnomAD exomes below 0.00001.

Submissions (3):

Myriad Genetics, Inc.
Classification: Pathogenic for Hydrocephalus, nonsyndromic, autosomal recessive 1. Last evaluated: 2024-12-13. Review status: criteria provided, single submitter. Criteria: Myriad Autosomal Dominant, Autosomal Recessive and X-Linked Classification Criteria (2023). Collection method: clinical testing. Allele origin: unknown.
Comment: NM_001080414.3(CCDC88C):c.1219C>T(R407*) is expected to be pathogenic in the context of congenital hydrocephalus, CCDC88C-related. This variant is predicted to lead to an abnormal or absent protein product due to the creation of a premature termination codon in CCDC88C, a gene where loss-of-function variants are known to be pathogenic. Please note: this variant was assessed in the context of healthy population screening.

Labcorp Genetics (formerly Invitae), Labcorp
Classification: Pathogenic. Last evaluated: 2022-10-17. Review status: criteria provided, single submitter. Criteria: Invitae Variant Classification Sherloc (09022015). Collection method: clinical testing. Allele origin: germline.
Comment: This sequence change creates a premature translational stop signal (p.Arg407*) in the CCDC88C gene. It is expected to result in an absent or disrupted protein product. Loss-of-function variants in CCDC88C are known to be pathogenic (PMID: 23042809, 29225145). This variant is not present in population databases (gnomAD no frequency). For these reasons, this variant has been classified as Pathogenic. ClinVar contains an entry for this variant (Variation ID: 423495). This variant has not been reported in the literature in individuals affected with CCDC88C-related conditions.

GeneDx
Classification: Likely pathogenic. Last evaluated: 2017-02-13. Review status: criteria provided, single submitter. Criteria: GeneDx Variant Classification (06012015). Collection method: clinical testing. Allele origin: germline. Affected: yes.
Comment: The R407X variant in the CCDC88C gene has not been reported previously as a pathogenic variant nor as a benign variant, to our knowledge. This variant is predicted to cause loss of normal protein function either through protein truncation or nonsense-mediated mRNA decay. The R407X variant is not observed in large population cohorts (Lek et al., 2016; 1000 Genomes Consortium et al., 2015; Exome Variant Server). We interpret R407X as a likely pathogenic variant.

Literature cited by the submitters: PubMed 23042809 (cited by Labcorp Genetics (formerly Invitae), Labcorp); PubMed 29225145 (cited by Labcorp Genetics (formerly Invitae), Labcorp).

NM_001080414.4(CCDC88C):c.1219C>T (p.Arg407Ter)

Gene: CCDC88C (coiled-coil and HOOK domain protein 88C; minus strand). Cytogenetic location: 14q32.11.
Variant type: single nucleotide variant.
Coding change: c.1219C>T on transcript NM_001080414.4 (MANE Select); coding-DNA position 1219, C replaced by T.
Protein change: p.Arg407Ter; replaces arginine 407 with a stop codon.
Molecular consequence: nonsense.
Genome position (GRCh38, 1-based): chr14:91,324,902, G>A on the plus strand (C>T on the coding strand, the complement: CCDC88C is on the minus strand). VCF-style: chr14-91324902-G-A. GRCh37 (hg19) VCF-style: chr14-91791246-G-A.
Other names: short protein forms R407*.
Identifiers: ClinVar variation 423495 (VCV000423495.7), dbSNP rs1064796464, ClinGen allele CA16619894.